The following is an entry in ClinVar:

NM_003922.4(HERC1):c.12233-7G>A

Gene: HERC1 (HECT and RLD domain containing E3 ubiquitin protein ligase family member 1; minus strand). Cytogenetic location: 15q22.31.
Variant type: single nucleotide variant.
Coding change: c.12233-7G>A on transcript NM_003922.4 (MANE Select); 7 bases into the intron before coding-DNA position 12233, G replaced by A.
Molecular consequence: intron variant.
Genome position (GRCh38, 1-based): chr15:63,636,149, C>T on the plus strand (G>A on the coding strand, the complement: HERC1 is on the minus strand). VCF-style: chr15-63636149-C-T. GRCh37 (hg19) VCF-style: chr15-63928348-C-T.
Identifiers: ClinVar variation 3048770 (VCV003048770.3), dbSNP rs369910520, ClinGen allele CA7604031.

ClinVar aggregate classification (germline): Likely benign. Review status: criteria provided, single submitter (1 of 4 stars). 2 submissions from 2 submitters: Likely benign (1). 1 of the submissions does not count toward it. Last evaluated 2025-03-29.

Conditions:
HERC1-related disorder. Also called: HERC1-related condition.

Allele frequency attached by ClinVar (database versions not stated): ESP Exome Variant Server 0.00008; gnomAD 0.00010.
gnomAD v4.1: 77 of 1,612,688 alleles (0.0048%); highest among the groups gnomAD compares: Admixed American, 0.028%; 2 homozygotes.

Submissions (2):

Labcorp Genetics (formerly Invitae), Labcorp
Classification: Likely benign. Last evaluated: 2025-03-29. Review status: criteria provided, single submitter. Criteria: Invitae Variant Classification Sherloc (09022015). Collection method: clinical testing. Allele origin: germline.

PreventionGenetics, part of Exact Sciences
Classification: Likely benign for HERC1-related condition. Last evaluated: 2019-12-05. Review status: no assertion criteria provided. Collection method: clinical testing. Allele origin: germline. Not counted in ClinVar's aggregate classification.
Comment: This variant is classified as likely benign based on ACMG/AMP sequence variant interpretation guidelines (Richards et al. 2015 PMID: 25741868, with internal and published modifications).